The following is an entry in ClinVar:

ClinVar aggregate classification (germline): Benign (0 of 4 stars; one submission).

Conditions:
ZFHX3-related disorder. Also called: ZFHX3-related condition.

Allele frequency attached by ClinVar (database versions not stated): gnomAD exomes 0.00018; gnomAD 0.00031; TOPMed 0.00043; ExAC 0.00068; 1000 Genomes Project 0.00080; 1000 Genomes Project 30x 0.00125.

Submission:

PreventionGenetics, part of Exact Sciences
Classification: Benign for ZFHX3-related condition. Last evaluated: 2019-08-09. Review status: no assertion criteria provided. Collection method: clinical testing. Allele origin: germline.
Comment: This variant is classified as benign based on ACMG/AMP sequence variant interpretation guidelines (Richards et al. 2015 PMID: 25741868, with internal and published modifications).

NM_006885.4(ZFHX3):c.4428G>A (p.Met1476Ile)

Genes: ZFHX3 (zinc finger homeobox 3; minus strand), ZFHX3-AS1 (ZFHX3 antisense RNA 1; plus strand). Cytogenetic location: 16q22.2.
Variant type: single nucleotide variant.
Coding change: c.4428G>A on transcript NM_006885.4 (MANE Select); coding-DNA position 4428, G replaced by A.
Protein change: p.Met1476Ile; replaces methionine 1476 with isoleucine.
Molecular consequence: missense variant.
Genome position (GRCh38, 1-based): chr16:72,798,254, C>T on the plus strand (G>A on the coding strand, the complement: ZFHX3 is on the minus strand). VCF-style: chr16-72798254-C-T. GRCh37 (hg19) VCF-style: chr16-72832153-C-T.
Other names: c.1686G>A, p.Met562Ile (NM_001164766.2); c.4428G>A, p.Met1476Ile (NM_001386735.1); short protein forms M1476I, M562I.
Identifiers: ClinVar variation 3043558 (VCV003043558.2), dbSNP rs200133878, ClinGen allele CA8163802.